The following is an entry in ClinVar:

ClinVar aggregate classification (germline): Conflicting classifications of pathogenicity. Review status: criteria provided, conflicting classifications (1 of 4 stars). 2 submissions from 2 submitters: Uncertain significance (1); Likely benign (1). Last evaluated 2024-09-20.

Conditions:
Fetal akinesia deformation sequence 1 (FADS1). Also called: Pena-Shokeir syndrome type I; Fetal akinesia sequence. Identifiers: Orphanet 994, MedGen C1276035, MONDO:0100101, OMIM 208150, HP:0001989.
Congenital myasthenic syndrome 9. Also called: Myasthenic syndrome, congenital, 9, associated with acetylcholine receptor deficiency. Identifiers: Orphanet 590, MedGen C4225368, MONDO:0014587, OMIM 616325.

Allele frequency attached by ClinVar (database versions not stated): TOPMed 0.00007; ESP Exome Variant Server 0.00008; gnomAD 0.00010.
gnomAD v4.1: 100 of 1,610,944 alleles (0.0062%); highest among the groups gnomAD compares: Middle Eastern, 0.05%; no homozygotes.

Submissions (2):

3billion
Classification: Likely benign for Fetal akinesia deformation sequence 1; Congenital myasthenic syndrome 9. Last evaluated: 2024-09-20. Review status: criteria provided, single submitter. Criteria: ACMG Guidelines, 2015. Collection method: clinical testing. Allele origin: germline. Affected: no.
Comment: The homozygous variant was found in patients diagnosed with another variant in a different gene, with no symptoms related to the gene containing the homozygous variant.

Revvity Omics, Revvity
Classification: Uncertain significance. Last evaluated: 2021-10-05. Review status: criteria provided, single submitter. Criteria: ACMG Guidelines, 2015. Collection method: clinical testing. Allele origin: germline.

NM_005592.4(MUSK):c.1185-24T>A

Gene: MUSK (muscle associated receptor tyrosine kinase; plus strand). Cytogenetic location: 9q31.3.
Variant type: single nucleotide variant.
Coding change: c.1185-24T>A on transcript NM_005592.4 (MANE Select); 24 bases into the intron before coding-DNA position 1185, T replaced by A.
Molecular consequence: intron variant.
Genome position (GRCh38, 1-based): chr9:110,775,764, T>A. VCF-style: chr9-110775764-T-A. GRCh37 (hg19) VCF-style: chr9-113538044-T-A.
Other names: c.951-24T>A (NM_001166280.2); c.921-24T>A (NM_001166281.2); c.-52-24T>A (NM_001369398.1).
Identifiers: ClinVar variation 2433839 (VCV002433839.4), dbSNP rs376856980, ClinGen allele CA5184297.
Genomic context (GRCh38, chr9:110,775,764, plus strand): 5'-GAAAACACAGAATTTAGGCTCTGCCACAAATTTGCTTTAACATGTAATGATTCATCAAGT[T>A]TTGTTCTCCATATACTATTTTAGAGAGTACTGCTTGGCAGTAAAGGAGCTCTTCTGCGCA-3'